The following is an entry in ClinVar:

NM_015028.4(TNIK):c.949+3T>G

Gene: TNIK (TRAF2 and NCK interacting kinase; minus strand). Cytogenetic location: 3q26.2.
Variant type: single nucleotide variant.
Coding change: c.949+3T>G on transcript NM_015028.4 (MANE Select); 3 bases into the intron after coding-DNA position 949, T replaced by G.
Molecular consequence: intron variant.
Genome position (GRCh38, 1-based): chr3:171,167,092, A>C on the plus strand (T>G on the coding strand, the complement: TNIK is on the minus strand). VCF-style: chr3-171167092-A-C. GRCh37 (hg19) VCF-style: chr3-170884881-A-C.
Other names: c.949+3T>G (NM_001161566.3, NM_001161565.3, NM_001161562.3 and 4 more transcripts).
Identifiers: ClinVar variation 3050630 (VCV003050630.2), dbSNP rs180780206, ClinGen allele CA2703632.

ClinVar aggregate classification (germline): Likely benign (0 of 4 stars; one submission).

Conditions:
TNIK-related disorder. Also called: TNIK-related condition.

Allele frequency attached by ClinVar (database versions not stated): gnomAD exomes 0.00006; ExAC 0.00022; 1000 Genomes Project 30x 0.00078; gnomAD 0.00081; ESP Exome Variant Server 0.00083; TOPMed 0.00083; 1000 Genomes Project 0.00100.
gnomAD v4.1: 224 of 1,609,112 alleles (0.014%); highest among the groups gnomAD compares: African/African-American, 0.26%; 3 homozygotes.

Submission:

PreventionGenetics, part of Exact Sciences
Classification: Likely benign for TNIK-related condition. Last evaluated: 2019-07-24. Review status: no assertion criteria provided. Collection method: clinical testing. Allele origin: germline.
Comment: This variant is classified as likely benign based on ACMG/AMP sequence variant interpretation guidelines (Richards et al. 2015 PMID: 25741868, with internal and published modifications).